The following is an entry in ClinVar:

NM_024642.5(GALNT12):c.592C>T (p.Arg198Cys)

Gene: GALNT12 (polypeptide N-acetylgalactosaminyltransferase 12; plus strand). Cytogenetic location: 9q22.33.
Variant type: single nucleotide variant.
Coding change: c.592C>T on transcript NM_024642.5 (MANE Select); coding-DNA position 592, C replaced by T.
Protein change: p.Arg198Cys; replaces arginine 198 with cysteine.
Molecular consequence: missense variant.
Genome position (GRCh38, 1-based): chr9:98,826,802, C>T. VCF-style: chr9-98826802-C-T. GRCh37 (hg19) VCF-style: chr9-101589084-C-T.
Other names: short protein forms R198C.
Identifiers: ClinVar variation 3280542 (VCV003280542.1).
Genomic context (GRCh38, chr9:98,826,802, plus strand): 5'-GCCTCCCTAGAGCACCTGAAGGAGCGCTTGGCCAATGAGCTTTCGGGACTGCCCAAGGTG[C>T]GCCTGATCCGCGCCAACAAGAGAGAGGGCCTGGTGCGAGCCCGGCTGCTGGGGGCGTCTG-3'
Protein context (NP_078918.3, residues 188-208): ANELSGLPKV[Arg198Cys]LIRANKREGL

ClinVar aggregate classification (germline): Uncertain significance (1 of 4 stars; one submission).

gnomAD v4.1: 2 of 1,611,872 alleles (0.00012%); highest among the groups gnomAD compares: African/African-American, 0.0027%; no homozygotes.

Submission:

Ambry Genetics
Classification: Uncertain significance. Last evaluated: 2024-04-10. Review status: criteria provided, single submitter. Criteria: Ambry Variant Classification Scheme 2023. Collection method: clinical testing. Allele origin: germline.
Comment: The p.R198C variant (also known as c.592C>T), located in coding exon 3 of the GALNT12 gene, results from a C to T substitution at nucleotide position 592. The arginine at codon 198 is replaced by cysteine, an amino acid with highly dissimilar properties. This amino acid position is conserved. In addition, this alteration is predicted to be deleterious by in silico analysis. Based on the available evidence, the clinical significance of this variant remains unclear.